The following is an entry in ClinVar:

ClinVar aggregate classification (germline): Pathogenic. Review status: criteria provided, multiple submitters, no conflicts (2 of 4 stars). 3 submissions from 3 submitters: Pathogenic (3). Last evaluated 2023-07-19.

Conditions:
Familial cancer of breast. Also called: BREAST CANCER, FAMILIAL; Hereditary breast cancer; hereditary breast carcinoma. Identifiers: Orphanet 227535, MedGen C0346153, MONDO:0016419, OMIM 114480. Disease mechanism: loss of function.
Hereditary cancer-predisposing syndrome. Also called: Hereditary Cancer Syndrome; Neoplastic Syndromes, Hereditary; Tumor predisposition; Hereditary neoplastic syndrome. Identifiers: Orphanet 140162, MedGen C0027672, MeSH D009386, MONDO:0015356.

Submissions (3):

Myriad Genetics, Inc.
Classification: Pathogenic for Familial cancer of breast. Last evaluated: 2023-07-19. Review status: criteria provided, single submitter. Criteria: Myriad Autosomal Dominant, Autosomal Recessive and X-Linked Classification Criteria (2023). Collection method: clinical testing. Allele origin: unknown.
Comment: This variant is considered pathogenic. This variant creates a frameshift predicted to result in premature protein truncation.

Labcorp Genetics (formerly Invitae), Labcorp
Classification: Pathogenic for Familial cancer of breast. Last evaluated: 2021-08-24. Review status: criteria provided, single submitter. Criteria: Invitae Variant Classification Sherloc (09022015). Collection method: clinical testing. Allele origin: germline.
Comment: For these reasons, this variant has been classified as Pathogenic. ClinVar contains an entry for this variant (Variation ID: 479558). This variant has not been reported in the literature in individuals affected with CHEK2-related conditions. This variant is not present in population databases (ExAC no frequency). This sequence change creates a premature translational stop signal (p.Thr45Argfs*16) in the CHEK2 gene. It is expected to result in an absent or disrupted protein product. Loss-of-function variants in CHEK2 are known to be pathogenic (PMID: 21876083, 24713400).

Ambry Genetics
Classification: Pathogenic for Hereditary cancer-predisposing syndrome. Last evaluated: 2016-04-26. Review status: criteria provided, single submitter. Criteria: Ambry Variant Classification Scheme 2023. Collection method: clinical testing. Allele origin: germline.
Comment: The c.133delA pathogenic mutation, located in coding exon 1 of the CHEK2 gene, results from a deletion of one nucleotide at nucleotide position 133, causing a translational frameshift with a predicted alternate stop codon. Since frameshifts are typically deleterious in nature, this alteration is interpreted as a disease-causing mutation (ACMG Recommendations for Standards for Interpretation and Reporting of Sequence Variations. Revision 2007. Genet Med. 2008;10:294).

Literature cited by the submitters: PubMed 21876083 (cited by Labcorp Genetics (formerly Invitae), Labcorp); PubMed 24713400 (cited by Labcorp Genetics (formerly Invitae), Labcorp).

NM_007194.4(CHEK2):c.133del (p.Thr45fs)

Gene: CHEK2 (checkpoint kinase 2; minus strand). Cytogenetic location: 22q12.1.
Variant type: Deletion.
Coding change: c.133del on transcript NM_007194.4 (MANE Select); coding-DNA position 133, one base deleted (A; older notation c.133delA).
Protein change: p.Thr45fs; shifts the reading frame from threonine 45.
Molecular consequence: frameshift variant.
Genome position (GRCh38, 1-based): chr22:28,734,589, T deleted on the plus strand (A on the coding strand, the reverse complement: CHEK2 is on the minus strand). VCF-style (leftmost placement, unchanged base first): chr22-28734588-GT-G. GRCh37 (hg19) VCF-style: chr22-29130576-GT-G.
Other names: c.133delA, p.Thr45Argfs (NM_001005735.3, NM_001349956.3, NM_145862.3); c.-645delA (NM_001257387.3); short protein forms T45fs.
Identifiers: ClinVar variation 479558 (VCV000479558.14), dbSNP rs1555932518, ClinGen allele CA658656854.